The following is an entry in ClinVar:

NM_170707.4(LMNA):c.1158G>T (p.Arg386Ser)

Gene: LMNA (lamin A/C; plus strand). Cytogenetic location: 1q22.
Variant type: single nucleotide variant.
Coding change: c.1158G>T on transcript NM_170707.4 (MANE Select); coding-DNA position 1158, G replaced by T.
Protein change: p.Arg386Ser; replaces arginine 386 with serine.
Molecular consequence: missense variant.
Genome position (GRCh38, 1-based): chr1:156,136,214, G>T. VCF-style: chr1-156136214-G-T. GRCh37 (hg19) VCF-style: chr1-156106005-G-T.
Other names: c.822G>T, p.Arg274Ser (NM_001257374.3); c.915G>T, p.Arg305Ser (NM_001282624.2); c.1158G>T, p.Arg386Ser (NM_001282625.2, NM_001282626.2, NM_005572.4 and 1 more transcripts); short protein forms R305S, R274S, R386S.
Identifiers: ClinVar variation 934438 (VCV000934438.9), dbSNP rs879253933, ClinGen allele CA342820750.

ClinVar aggregate classification (germline): Uncertain significance (1 of 4 stars; one submission).

Conditions:
Charcot-Marie-Tooth disease type 2. Also called: Charcot-Marie-Tooth type 2. Identifiers: Orphanet 64746, MedGen C0270914, MONDO:0018993.

Submission:

Labcorp Genetics (formerly Invitae), Labcorp
Classification: Uncertain significance for Charcot-Marie-Tooth disease type 2. Last evaluated: 2024-01-15. Review status: criteria provided, single submitter. Criteria: Invitae Variant Classification Sherloc (09022015). Collection method: clinical testing. Allele origin: germline.
Comment: This sequence change replaces arginine, which is basic and polar, with serine, which is neutral and polar, at codon 386 of the LMNA protein (p.Arg386Ser). This variant is not present in population databases (gnomAD no frequency). This variant has not been reported in the literature in individuals affected with LMNA-related conditions. ClinVar contains an entry for this variant (Variation ID: 934438). An algorithm developed to predict the effect of missense changes on protein structure and function (PolyPhen-2) suggests that this variant is likely to be disruptive. Algorithms developed to predict the effect of sequence changes on RNA splicing suggest that this variant may disrupt the consensus splice site. In summary, the available evidence is currently insufficient to determine the role of this variant in disease. Therefore, it has been classified as a Variant of Uncertain Significance.